The following is an entry in ClinVar:

ClinVar aggregate classification (germline): Uncertain significance (1 of 4 stars; one submission).

Submission:

GeneDx
Classification: Uncertain significance. Last evaluated: 2023-07-20. Review status: criteria provided, single submitter. Criteria: GeneDx Variant Classification Process June 2021. Collection method: clinical testing. Allele origin: germline. Affected: yes.
Comment: Not observed at significant frequency in large population cohorts (gnomAD); In silico analysis supports that this missense variant does not alter protein structure/function; Has not been previously published as pathogenic or benign to our knowledge

NM_016628.5(WAC):c.1617T>G (p.Asn539Lys)

Gene: WAC (WW domain containing adaptor with coiled-coil; plus strand). Cytogenetic location: 10p12.1.
Variant type: single nucleotide variant.
Coding change: c.1617T>G on transcript NM_016628.5 (MANE Select); coding-DNA position 1617, T replaced by G.
Protein change: p.Asn539Lys; replaces asparagine 539 with lysine.
Molecular consequence: missense variant.
Genome position (GRCh38, 1-based): chr10:28,616,233, T>G. VCF-style: chr10-28616233-T-G. GRCh37 (hg19) VCF-style: chr10-28905162-T-G.
Other names: c.1482T>G, p.Asn494Lys (NM_100264.3); c.1308T>G, p.Asn436Lys (NM_100486.4); short protein forms N436K, N494K, N539K.
Identifiers: ClinVar variation 3361279 (VCV003361279.1).